The following is an entry in ClinVar:

ClinVar aggregate classification (germline): Pathogenic (1 of 4 stars; one submission).

Conditions:
Hereditary cancer-predisposing syndrome. Also called: Neoplastic Syndromes, Hereditary; Tumor predisposition; Hereditary Cancer Syndrome; Hereditary neoplastic syndrome. Identifiers: Orphanet 140162, MedGen C0027672, MeSH D009386, MONDO:0015356.

Submission:

Ambry Genetics
Classification: Pathogenic for Hereditary cancer-predisposing syndrome. Last evaluated: 2025-11-14. Review status: criteria provided, single submitter. Criteria: Ambry Variant Classification Scheme 2023. Collection method: clinical testing. Allele origin: germline.
Comment: The c.2550_2562dup13 variant, located in coding exon 15 of the APC gene, results from a duplication of AAGTTTGGAGAGA at nucleotide position 2550, causing a translational frameshift with a predicted alternate stop codon (p.E855Kfs*61). This alteration occurs at the 3' terminus of the gene, is not expected to trigger nonsense-mediated mRNA decay, and impacts the last 70% of the protein. However, premature stop codons are typically deleterious in nature and a significant portion of the protein is affected (Ambry internal data). This variant is considered to be rare based on population cohorts in the Genome Aggregation Database (gnomAD). Based on the supporting evidence, this variant is interpreted as a disease-causing mutation.

NM_000038.6(APC):c.2550_2562dup (p.Glu855fs)

Gene: APC (APC regulator of Wnt signaling pathway; plus strand). Cytogenetic location: 5q22.2.
Variant type: Duplication.
Coding change: c.2550_2562dup on transcript NM_000038.6 (MANE Select); coding-DNA positions 2550 to 2562, 13 bases duplicated (AAGTTTGGAGAGA).
Protein change: p.Glu855fs; shifts the reading frame from glutamic acid 855.
Molecular consequence: frameshift variant. On other transcripts: non-coding transcript variant (2).
Genome position (GRCh38, 1-based): chr5:112,838,144-112,838,156, AAGTTTGGAGAGA duplicated. VCF-style (leftmost placement, unchanged base first): chr5-112838143-G-GAAGTTTGGAGAGA. GRCh37 (hg19) VCF-style: chr5-112173840-G-GAAGTTTGGAGAGA.
Other names: c.2550_2562dup, p.Glu855fs (NM_001127510.3, NM_001354895.2, NM_001407450.1); c.2496_2508dup, p.Glu837fs (NM_001127511.3); c.2604_2616dup, p.Glu873fs (NM_001354896.2, NM_001407447.1, NM_001407448.1 and 1 more transcripts); c.2580_2592dup, p.Glu865fs (NM_001354897.2); c.2475_2487dup, p.Glu830fs (NM_001354898.2); c.2466_2478dup, p.Glu827fs (NM_001354899.2); c.2427_2439dup, p.Glu814fs (NM_001354900.2); c.2373_2385dup, p.Glu796fs (NM_001354901.2, NM_001407453.1); and 11 more; short protein forms E726fs, E754fs, E796fs, E865fs, E471fs, E827fs, E845fs, E572fs.
Identifiers: ClinVar variation 4589937 (VCV004589937.1).